The following is an entry in ClinVar:

ClinVar aggregate classification (germline): Uncertain significance (1 of 4 stars; one submission).

Allele frequency attached by ClinVar (database versions not stated): ESP Exome Variant Server 0.00008.
gnomAD v4.1: 46 of 1,613,696 alleles (0.0029%); highest among the groups gnomAD compares: South Asian, 0.043%; 1 homozygote.

Submission:

Labcorp Genetics (formerly Invitae), Labcorp
Classification: Uncertain significance. Last evaluated: 2023-07-07. Review status: criteria provided, single submitter. Criteria: Invitae Variant Classification Sherloc (09022015). Collection method: clinical testing. Allele origin: germline.
Comment: Advanced modeling of protein sequence and biophysical properties (such as structural, functional, and spatial information, amino acid conservation, physicochemical variation, residue mobility, and thermodynamic stability) performed at Invitae indicates that this missense variant is expected to disrupt KANK1 protein function. ClinVar contains an entry for this variant (Variation ID: 1434771). This variant has not been reported in the literature in individuals affected with KANK1-related conditions. This variant is present in population databases (rs148917415, gnomAD 0.04%). This sequence change replaces alanine, which is neutral and non-polar, with proline, which is neutral and non-polar, at codon 1207 of the KANK1 protein (p.Ala1207Pro). In summary, the available evidence is currently insufficient to determine the role of this variant in disease. Therefore, it has been classified as a Variant of Uncertain Significance.

NM_015158.5(KANK1):c.3619G>C (p.Ala1207Pro)

Gene: KANK1 (KN motif and ankyrin repeat domains 1; plus strand). Cytogenetic location: 9p24.3.
Variant type: single nucleotide variant.
Coding change: c.3619G>C on transcript NM_015158.5 (MANE Select); coding-DNA position 3619, G replaced by C.
Protein change: p.Ala1207Pro; replaces alanine 1207 with proline.
Molecular consequence: missense variant. On other transcripts: non-coding transcript variant (1).
Genome position (GRCh38, 1-based): chr9:740,857, G>C. VCF-style: chr9-740857-G-C. GRCh37 (hg19) VCF-style: chr9-740857-G-C.
Other names: c.3619G>C, p.Ala1207Pro (NM_001256876.3, NM_001256877.3, NM_001354334.2); c.3379G>C, p.Ala1127Pro (NM_001354331.2); c.3565G>C, p.Ala1189Pro (NM_001354332.2); c.3145G>C, p.Ala1049Pro (NM_001354333.2, NM_001354335.2, NM_001354337.2 and 2 more transcripts); c.2851G>C, p.Ala951Pro (NM_001354336.2); c.3091G>C, p.Ala1031Pro (NM_001354338.2, NM_001354340.2, NM_001354344.2); c.2905G>C, p.Ala969Pro (NM_001354339.2, NM_001354342.2, NM_001354343.2); short protein forms A1049P, A1189P, A1031P, A1127P, A1207P, A951P, A969P.
Identifiers: ClinVar variation 1434771 (VCV001434771.8), dbSNP rs148917415, ClinGen allele CA4961068.